The following is an entry in ClinVar:

NM_024537.4(CARS2):c.1523C>T (p.Thr508Met)

Gene: CARS2 (cysteinyl-tRNA synthetase 2, mitochondrial; minus strand). Cytogenetic location: 13q34.
Variant type: single nucleotide variant.
Coding change: c.1523C>T on transcript NM_024537.4 (MANE Select); coding-DNA position 1523, C replaced by T.
Protein change: p.Thr508Met; replaces threonine 508 with methionine.
Molecular consequence: missense variant. On other transcripts: non-coding transcript variant (2).
Genome position (GRCh38, 1-based): chr13:110,642,415, G>A on the plus strand (C>T on the coding strand, the complement: CARS2 is on the minus strand). VCF-style: chr13-110642415-G-A. GRCh37 (hg19) VCF-style: chr13-111294762-G-A.
Other names: c.737C>T, p.Thr246Met (NM_001352252.2); c.1523C>T (NM_024537.2); short protein forms T246M, T508M.
Identifiers: ClinVar variation 845685 (VCV000845685.7), dbSNP rs376713706, ClinGen allele CA7051621.

ClinVar aggregate classification (germline): Uncertain significance. Review status: criteria provided, multiple submitters, no conflicts (2 of 4 stars). 2 submissions from 2 submitters: Uncertain significance (2). Last evaluated 2024-12-16.

Conditions:
Inborn genetic diseases. Identifiers: MedGen C0950123, MeSH D030342.
Combined oxidative phosphorylation defect type 27. Also called: Combined oxidative phosphorylation deficiency 27. Identifiers: Orphanet 477774, MedGen C5567608, MONDO:0014728, OMIM 616672.

Allele frequency attached by ClinVar (database versions not stated): gnomAD exomes 0.00003; ESP Exome Variant Server 0.00008; TOPMed 0.00009; ExAC 0.00013.
gnomAD v4.1: 48 of 1,593,860 alleles (0.003%); highest among the groups gnomAD compares: African/African-American, 0.031%; no homozygotes.

Submissions (2):

Labcorp Genetics (formerly Invitae), Labcorp
Classification: Uncertain significance for Combined oxidative phosphorylation defect type 27. Last evaluated: 2024-12-16. Review status: criteria provided, single submitter. Criteria: Invitae Variant Classification Sherloc (09022015). Collection method: clinical testing. Allele origin: germline.
Comment: This sequence change replaces threonine, which is neutral and polar, with methionine, which is neutral and non-polar, at codon 508 of the CARS2 protein (p.Thr508Met). The frequency data for this variant in the population databases is considered unreliable, as metrics indicate poor data quality at this position in the gnomAD database. This variant has not been reported in the literature in individuals affected with CARS2-related conditions. ClinVar contains an entry for this variant (Variation ID: 845685). An algorithm developed to predict the effect of missense changes on protein structure and function (PolyPhen-2) suggests that this variant¬†is likely to be tolerated. In summary, the available evidence is currently insufficient to determine the role of this variant in disease. Therefore, it has been classified as a Variant of Uncertain Significance.

Ambry Genetics
Classification: Uncertain significance for Inborn genetic diseases. Last evaluated: 2024-08-19. Review status: criteria provided, single submitter. Criteria: Ambry Variant Classification Scheme 2023. Collection method: clinical testing. Allele origin: germline.